The following is an entry in ClinVar:

ClinVar aggregate classification (germline): Uncertain significance (1 of 4 stars; one submission).

Conditions:
Mucopolysaccharidosis, MPS-IV-A (MPS4A). Also called: Mucopolysaccharidosis type IV A; Mucopolysaccharidosis Type IVA; Morquio syndrome A, mild; MORQUIO SYNDROME A; MPS IVA; mucopolysaccharidosis type 4A. Identifiers: Orphanet 309297, Orphanet 582, MedGen C0086651, MONDO:0009659, OMIM 253000.

Submission:

Laboratory of Diagnosis and Therapy of Lysosomal Disorders, University of Padova
Classification: Uncertain significance for Mucopolysaccharidosis, MPS-IV-A. Last evaluated: 2021-02-01. Review status: criteria provided, single submitter. Criteria: ACMG Guidelines, 2015. Collection method: curation. Allele origin: germline. Affected: yes.
Comment: In vitro functional studies supportive of a damaging effect on the gene product (low in vitro enzymatic activity; PS3_supporting); absent from gnomAD v2.1.1 (PM2_moderate); multiple lines of computational evidence support a deleterious effect on the gene (PP3_supporting)

Literature cited by the submitters: PubMed 16287098; PubMed 7795586; PubMed 34387910.

NM_000512.5(GALNS):c.1349A>T (p.Glu450Val)

Gene: GALNS (galactosamine (N-acetyl)-6-sulfatase; minus strand). Cytogenetic location: 16q24.3.
Variant type: single nucleotide variant.
Coding change: c.1349A>T on transcript NM_000512.5 (MANE Select); coding-DNA position 1349, A replaced by T.
Protein change: p.Glu450Val; replaces glutamic acid 450 with valine.
Molecular consequence: missense variant.
Genome position (GRCh38, 1-based): chr16:88,822,604, T>A on the plus strand (A>T on the coding strand, the complement: GALNS is on the minus strand). VCF-style: chr16-88822604-T-A. GRCh37 (hg19) VCF-style: chr16-88889012-T-A.
Other names: c.794A>T, p.Glu265Val (NM_001323543.2); c.1367A>T, p.Glu456Val (NM_001323544.2); short protein forms E265V, E450V, E456V.
Identifiers: ClinVar variation 1048504 (VCV001048504.3), dbSNP rs2142992313, ClinGen allele CA397095944.